The following is an entry in ClinVar:

NM_000748.3(CHRNB2):c.79G>T (p.Asp27Tyr)

Gene: CHRNB2 (cholinergic receptor nicotinic beta 2 subunit; plus strand). Cytogenetic location: 1q21.3.
Variant type: single nucleotide variant.
Coding change: c.79G>T on transcript NM_000748.3 (MANE Select); coding-DNA position 79, G replaced by T.
Protein change: p.Asp27Tyr; replaces aspartic acid 27 with tyrosine.
Molecular consequence: missense variant.
Genome position (GRCh38, 1-based): chr1:154,569,476, G>T. VCF-style: chr1-154569476-G-T. GRCh37 (hg19) VCF-style: chr1-154541952-G-T.
Other names: short protein forms D27Y.
Identifiers: ClinVar variation 3640453 (VCV003640453.2).

ClinVar aggregate classification (germline): Uncertain significance (1 of 4 stars; one submission).

Conditions:
Familial sleep-related hypermotor epilepsy. Also called: Autosomal Dominant Sleep-Related Hypermotor (Hyperkinetic) Epilepsy. Identifiers: Orphanet 98784, MedGen C3696898, MONDO:0000030.

Submission:

Labcorp Genetics (formerly Invitae), Labcorp
Classification: Uncertain significance. Last evaluated: 2024-02-22. Review status: criteria provided, single submitter. Criteria: Invitae Variant Classification Sherloc (09022015). Collection method: clinical testing. Allele origin: germline.
Comment: This sequence change replaces aspartic acid, which is acidic and polar, with tyrosine, which is neutral and polar, at codon 27 of the CHRNB2 protein (p.Asp27Tyr). This variant is not present in population databases (gnomAD no frequency). This variant has not been reported in the literature in individuals affected with CHRNB2-related conditions. Advanced modeling of protein sequence and biophysical properties (such as structural, functional, and spatial information, amino acid conservation, physicochemical variation, residue mobility, and thermodynamic stability) performed at Invitae indicates that this missense variant is not expected to disrupt CHRNB2 protein function with a negative predictive value of 80%. In summary, the available evidence is currently insufficient to determine the role of this variant in disease. Therefore, it has been classified as a Variant of Uncertain Significance.